The following is an entry in ClinVar:

NM_015978.3(TNNI3K):c.465A>G (p.Gln155=)

Genes: FPGT-TNNI3K (FPGT-TNNI3K readthrough; plus strand), TNNI3K (TNNI3 interacting kinase; plus strand). Cytogenetic location: 1p31.1.
Variant type: single nucleotide variant.
Coding change: c.465A>G on transcript NM_015978.3 (MANE Select); coding-DNA position 465, A replaced by G.
Protein change: p.Gln155=; no amino-acid change (glutamine 155 retained).
Molecular consequence: synonymous variant.
Genome position (GRCh38, 1-based): chr1:74,331,470, A>G. VCF-style: chr1-74331470-A-G. GRCh37 (hg19) VCF-style: chr1-74797154-A-G.
Other names: p.Gln155=; c.768A>G, p.Gln256= (NM_001112808.3, NM_001199327.2).
Identifiers: ClinVar variation 1297714 (VCV001297714.16), dbSNP rs45532739, ClinGen allele CA908914.

ClinVar aggregate classification (germline): Conflicting classifications of pathogenicity. Review status: criteria provided, conflicting classifications (1 of 4 stars). 7 submissions from 7 submitters: Uncertain significance (1); Benign (1); Likely benign (2). 3 of the submissions do not count toward it. Last evaluated 2026-01-26.

Conditions:
Atrial conduction disease. Identifiers: Orphanet 436242, MedGen CN221670, MONDO:0014500.
TNNI3K-related disorder. Also called: TNNI3K-related condition.

Allele frequency attached by ClinVar (database versions not stated): gnomAD exomes 0.00011 and 0.00026; ExAC 0.00033; 1000 Genomes Project 0.00080; 1000 Genomes Project 30x 0.00094; TOPMed 0.00109; gnomAD 0.00110 and 0.00120; ESP Exome Variant Server 0.00123.
gnomAD v4.1: 331 of 1,613,606 alleles (0.021%); highest among the groups gnomAD compares: African/African-American, 0.38%; 2 homozygotes.

Submissions (7):

Labcorp Genetics (formerly Invitae), Labcorp
Classification: Benign. Last evaluated: 2026-01-26. Review status: criteria provided, single submitter. Criteria: Invitae Variant Classification Sherloc (09022015). Collection method: clinical testing. Allele origin: germline.

Clinical Genomics Laboratory, Washington University in St. Louis
Classification: Uncertain significance for Cardiac conduction disease with or without dilated cardiomyopathy 1. Last evaluated: 2025-04-10. Review status: criteria provided, single submitter. Criteria: ACMG Guidelines, 2015. Collection method: clinical testing. Allele origin: germline.
Comment: The TNNI3K c.465A>G (p.Glu155=) variant, to our knowledge, has not been reported in the medical literature. Computational predictors suggest that the variant does not impact TNNI3K function. This variant is only observed on 99/282,182 alleles in the general population (gnomAD v2.1.1). This variant has been reported in the ClinVar database as a germline benign variant by four submitters (Variation ID: 1297714). Due to limited information, the clinical significance of this variant is uncertain.

Molecular Diagnostic Laboratory for Inherited Cardiovascular Disease, Montreal Heart Institute
Classification: Likely benign. Last evaluated: 2025-04-09. Review status: criteria provided, single submitter. Criteria: ACMG Guidelines, 2015. Collection method: clinical testing. Allele origin: germline. Affected: no.

Mayo Clinic Laboratories, Mayo Clinic
Classification: Likely benign. Last evaluated: 2025-02-28. Review status: criteria provided, single submitter. Criteria: ACMG Guidelines, 2015. Collection method: clinical testing. Allele origin: germline. Observed: 1 variant allele.
Comment: BS1, BP4, BP7

PreventionGenetics, part of Exact Sciences
Classification: Likely benign for TNNI3K-related condition. Last evaluated: 2020-02-18. Review status: no assertion criteria provided. Collection method: clinical testing. Allele origin: germline. Not counted in ClinVar's aggregate classification.
Comment: This variant is classified as likely benign based on ACMG/AMP sequence variant interpretation guidelines (Richards et al. 2015 PMID: 25741868, with internal and published modifications).

Clinical Genetics DNA and cytogenetics Diagnostics Lab, Erasmus MC, Erasmus Medical Center
Classification: Likely benign. Review status: no assertion criteria provided. Collection method: clinical testing. Allele origin: germline. Affected: yes. Study: VKGL Data-share Consensus. Not counted in ClinVar's aggregate classification.

Joint Genome Diagnostic Labs from Nijmegen and Maastricht, Radboudumc and MUMC+
Classification: Likely benign. Review status: no assertion criteria provided. Collection method: clinical testing. Allele origin: germline. Affected: yes. Study: VKGL Data-share Consensus. Not counted in ClinVar's aggregate classification.